The following is an entry in ClinVar:

NM_024642.5(GALNT12):c.899C>T (p.Ser300Phe)

Gene: GALNT12 (polypeptide N-acetylgalactosaminyltransferase 12; plus strand). Cytogenetic location: 9q22.33.
Variant type: single nucleotide variant.
Coding change: c.899C>T on transcript NM_024642.5 (MANE Select); coding-DNA position 899, C replaced by T.
Protein change: p.Ser300Phe; replaces serine 300 with phenylalanine.
Molecular consequence: missense variant.
Genome position (GRCh38, 1-based): chr9:98,831,939, C>T. VCF-style: chr9-98831939-C-T. GRCh37 (hg19) VCF-style: chr9-101594221-C-T.
Other names: short protein forms S300F.
Identifiers: ClinVar variation 822872 (VCV000822872.15), dbSNP rs777263033, ClinGen allele CA5154091.

ClinVar aggregate classification (germline): Uncertain significance. Review status: criteria provided, multiple submitters, no conflicts (2 of 4 stars). 4 submissions from 4 submitters: Uncertain significance (4). Last evaluated 2025-08-02.

Conditions:
Colorectal cancer, susceptibility to, 1. Also called: COLORECTAL ADENOMA AND CANCER, SUSCEPTIBILITY TO; COLORECTAL CANCER, SUSCEPTIBILITY TO, ON CHROMOSOME 9. Identifiers: MedGen C1837315, MONDO:0012132, OMIM 608812.

Allele frequency attached by ClinVar (database versions not stated): gnomAD exomes 0.00001 and 0.00003; ExAC 0.00003.
gnomAD v4.1: 49 of 1,613,920 alleles (0.003%); highest among the groups gnomAD compares: Non-Finnish European, 0.004%; no homozygotes.

Submissions (4):

Ambry Genetics
Classification: Uncertain significance. Last evaluated: 2025-08-02. Review status: criteria provided, single submitter. Criteria: Ambry Variant Classification Scheme 2023. Collection method: clinical testing. Allele origin: germline.
Comment: The p.S300F variant (also known as c.899C>T), located in coding exon 4 of the GALNT12 gene, results from a C to T substitution at nucleotide position 899. The serine at codon 300 is replaced by phenylalanine, an amino acid with highly dissimilar properties. This amino acid position is highly conserved in available vertebrate species. In addition, the in silico prediction for this alteration is inconclusive. Since supporting evidence is limited at this time, the clinical significance of this alteration remains unclear.

Labcorp Genetics (formerly Invitae), Labcorp
Classification: Uncertain significance. Last evaluated: 2024-12-08. Review status: criteria provided, single submitter. Criteria: Invitae Variant Classification Sherloc (09022015). Collection method: clinical testing. Allele origin: germline.
Comment: This sequence change replaces serine, which is neutral and polar, with phenylalanine, which is neutral and non-polar, at codon 300 of the GALNT12 protein (p.Ser300Phe). This variant is present in population databases (rs777263033, gnomAD 0.004%). This variant has not been reported in the literature in individuals affected with GALNT12-related conditions. ClinVar contains an entry for this variant (Variation ID: 822872). Invitae Evidence Modeling of protein sequence and biophysical properties (such as structural, functional, and spatial information, amino acid conservation, physicochemical variation, residue mobility, and thermodynamic stability) indicates that this missense variant is not expected to disrupt GALNT12 protein function with a negative predictive value of 80%. In summary, the available evidence is currently insufficient to determine the role of this variant in disease. Therefore, it has been classified as a Variant of Uncertain Significance.

Baylor Genetics
Classification: Uncertain significance for Colorectal cancer, susceptibility to, 1. Last evaluated: 2023-10-16. Review status: criteria provided, single submitter. Criteria: ACMG Guidelines, 2015. Collection method: clinical testing. Allele origin: unknown.

Blueprint Genetics
Classification: Uncertain significance. Last evaluated: 2020-09-29. Review status: criteria provided, single submitter. Criteria: ACMG Guidelines, 2015. Collection method: clinical testing. Allele origin: germline.